The following is an entry in ClinVar:

ClinVar aggregate classification (germline): Conflicting classifications of pathogenicity. Review status: criteria provided, conflicting classifications (1 of 4 stars). 2 submissions from 2 submitters: Uncertain significance (1); Likely benign (1). Last evaluated 2023-03-23.

Conditions:
Hereditary cancer-predisposing syndrome. Also called: Neoplastic Syndromes, Hereditary; Tumor predisposition; Hereditary Cancer Syndrome; Hereditary neoplastic syndrome. Identifiers: Orphanet 140162, MedGen C0027672, MeSH D009386, MONDO:0015356.

gnomAD v4.1: 1 of 1,602,442 alleles (0.000062%); highest among the groups gnomAD compares: Non-Finnish European, 0.000085%; no homozygotes.

Submissions (2):

University of Washington Department of Laboratory Medicine, University of Washington
Classification: Likely benign for Hereditary cancer-predisposing syndrome. Last evaluated: 2023-03-23. Review status: criteria provided, single submitter. Criteria: Dines et al. (Genet Med. 2020). Collection method: curation. Allele origin: germline.
Comment: Missense variant in a coldspot region where missense variants are very unlikely to be pathogenic (PMID:31911673).

BRCA2 exon 11 coldspot. Reclassification based on statistical prior probability.

Ambry Genetics
Classification: Uncertain significance for Hereditary cancer-predisposing syndrome. Last evaluated: 2016-07-11. Review status: criteria provided, single submitter. Criteria: Ambry Variant Classification Scheme 2023. Collection method: clinical testing. Allele origin: germline.
Comment: The p.H1350Q variant (also known as c.4050T>A), located in coding exon 10 of the BRCA2 gene, results from a T to A substitution at nucleotide position 4050. The histidine at codon 1350 is replaced by glutamine, an amino acid with highly similar properties. This variant was not reported in population based cohorts in the following databases: Database of Single Nucleotide Polymorphisms (dbSNP), NHLBI Exome Sequencing Project (ESP), and 1000 Genomes Project. In the ESP, this variant was not observed in 6500 samples (13000 alleles) with coverage at this position. To date, this alteration has been detected with an allele frequency of approximately 0.003% (greater than 300000 alleles tested) in our clinical cohort. This amino acid position is not well conserved in available vertebrate species. In addition, this alteration is predicted to be tolerated by in silico analysis. Since supporting evidence is limited at this time, the clinical significance of this alteration remains unclear.

NM_000059.4(BRCA2):c.4050T>A (p.His1350Gln)

Gene: BRCA2 (BRCA2 DNA repair associated; plus strand). Cytogenetic location: 13q13.1.
Variant type: single nucleotide variant.
Coding change: c.4050T>A on transcript NM_000059.4 (MANE Select); coding-DNA position 4050, T replaced by A.
Protein change: p.His1350Gln; replaces histidine 1350 with glutamine.
Molecular consequence: missense variant.
Genome position (GRCh38, 1-based): chr13:32,338,405, T>A. VCF-style: chr13-32338405-T-A. GRCh37 (hg19) VCF-style: chr13-32912542-T-A.
Other names: short protein forms H1350Q.
Identifiers: ClinVar variation 481561 (VCV000481561.7), dbSNP rs1359369718, ClinGen allele CA387779106.
Genomic context (GRCh38, chr13:32,338,405, plus strand): 5'-TTCTCATAACTTAGAATTTGATGGCAGTGATTCAAGTAAAAATGATACTGTTTGTATTCA[T>A]AAAGATGAAACGGACTTGCTATTTACTGATCAGCACAACATATGTCTTAAATTATCTGGC-3'
Protein context (NP_000050.3, residues 1340-1360): DSSKNDTVCI[His1350Gln]KDETDLLFTD